The following is an entry in ClinVar:

ClinVar aggregate classification (germline): Benign. Review status: criteria provided, multiple submitters, no conflicts (2 of 4 stars). 13 submissions from 13 submitters: Benign (10). 3 of the submissions do not count toward it. Last evaluated 2026-02-04.

Conditions:
Alagille syndrome due to a JAG1 point mutation. Also called: HEPATIC DUCTULAR HYPOPLASIA, SYNDROMATIC; Alagille Syndrome 1; JAG1-Related Alagille Syndrome. Identifiers: Orphanet 261619, Orphanet 52, MedGen C1956125, MONDO:0016862, OMIM 118450.
Deafness, congenital heart defects, and posterior embryotoxon (DCHE). Identifiers: MedGen C1866053, MONDO:0060713, OMIM 617992.
Charcot-Marie-Tooth disease, axonal, Type 2HH. Also called: CHARCOT-MARIE-TOOTH NEUROPATHY, TYPE 2HH. Identifiers: MedGen C5562003, MONDO:0030458, OMIM 619574.
Tetralogy of Fallot (TOF). Identifiers: Orphanet 3303, MedGen C0039685, MONDO:0008542, OMIM 187500, HP:0001636.
Isolated Nonsyndromic Congenital Heart Disease.
Cardiovascular phenotype. Identifiers: MedGen CN230736.

Allele frequency attached by ClinVar (database versions not stated): 1000 Genomes Project 30x 0.06512; 1000 Genomes Project 0.06530; ESP Exome Variant Server 0.07904; TOPMed 0.07944; gnomAD 0.08239 and 0.08298; ExAC 0.09403; gnomAD exomes 0.09602 and 0.10835.
gnomAD v4.1: 169,926 of 1,613,164 alleles (11%); highest among the groups gnomAD compares: Non-Finnish European, 12%; 10,148 homozygotes.

Submissions (13):

Labcorp Genetics (formerly Invitae), Labcorp
Classification: Benign for Alagille syndrome due to a JAG1 point mutation. Last evaluated: 2026-02-04. Review status: criteria provided, single submitter. Criteria: Invitae Variant Classification Sherloc (09022015). Collection method: clinical testing. Allele origin: germline.

Blueprint Genetics
Classification: Benign. Last evaluated: 2024-11-28. Review status: criteria provided, single submitter. Criteria: ACMG Guidelines, 2015. Collection method: clinical testing. Allele origin: germline.

Women's Health and Genetics/Laboratory Corporation of America, LabCorp
Classification: Benign. Last evaluated: 2023-08-15. Review status: criteria provided, single submitter. Criteria: LabCorp Variant Classification Summary - May 2015. Collection method: clinical testing. Allele origin: germline.
Comment: Variant summary: JAG1 c.267G>A alters a non-conserved nucleotide resulting in a synonymous change. Computational tools predict no significant impact on normal splicing. However, these predictions have yet to be confirmed by functional studies. The variant allele was found at a frequency of 0.095 in 281760 control chromosomes in the gnomAD database, including 1553 homozygotes. The observed variant frequency is approximately 4600 fold of the estimated maximal expected allele frequency for a pathogenic variant in JAG1 causing Alagille Syndrome 1 (2.1e-05), strongly suggesting that the variant is benign. Five ClinVar submitters have assessed the variant since 2014, and all submitters classified the variant as benign. Based on the evidence outlined above, the variant was classified as benign.

Mayo Clinic Laboratories, Mayo Clinic
Classification: Benign. Last evaluated: 2022-05-05. Review status: criteria provided, single submitter. Criteria: ACMG Guidelines, 2015. Collection method: clinical testing. Allele origin: germline. Observed: 165 variant alleles.

Fulgent Genetics
Classification: Benign for Alagille syndrome due to a JAG1 point mutation; Tetralogy of Fallot; Deafness, congenital heart defects, and posterior embryotoxon; Charcot-Marie-Tooth disease, axonal, Type 2HH. Last evaluated: 2021-09-28. Review status: criteria provided, single submitter. Criteria: ACMG Guidelines, 2015. Collection method: clinical testing. Allele origin: unknown.

Illumina Laboratory Services, Illumina
Classification: Benign for Isolated Nonsyndromic Congenital Heart Disease. Last evaluated: 2018-01-12. Review status: criteria provided, single submitter. Criteria: ICSL Variant Classification Criteria 13 December 2019. Collection method: clinical testing. Allele origin: germline.
Comment: This variant was observed in the ICSL laboratory as part of a predisposition screen in an ostensibly healthy population. It had not been previously curated by ICSL or reported in the Human Gene Mutation Database (HGMD: prior to June 1st, 2018), and was therefore a candidate for classification through an automated scoring system. Utilizing variant allele frequency, disease prevalence and penetrance estimates, and inheritance mode, an automated score was calculated to assess if this variant is too frequent to cause the disease. Based on the score and internal cut-off values, a variant classified as benign is not then subjected to further curation. The score for this variant resulted in a classification of benign for this disease.

Laboratory for Molecular Medicine, Mass General Brigham Personalized Medicine
Classification: Benign. Last evaluated: 2016-12-13. Review status: criteria provided, single submitter. Criteria: LMM Criteria. Collection method: clinical testing. Allele origin: germline. Observed: 8 variant alleles.
Comment: p.Gly89Gly in exon 2 of JAG1: This variant is not expected to have clinical sign ificance because it does not alter an amino acid residue and is not located with in the splice consensus sequence. It has been identified in 12% (1394/11536) of Latino chromosomes, including 83 homozygotes by the Exome Aggregation Consortium (ExAC; dbSNP rs1051415).

Ambry Genetics
Classification: Benign for Cardiovascular phenotype. Last evaluated: 2015-06-12. Review status: criteria provided, single submitter. Criteria: Ambry Variant Classification Scheme 2023. Collection method: clinical testing. Allele origin: germline.

Breakthrough Genomics
Classification: Benign. Review status: criteria provided, single submitter. Criteria: ACMG Guidelines, 2015. Collection method: not provided. Allele origin: germline. Inheritance: Autosomal dominant inheritance. Affected: yes.

PreventionGenetics, part of Exact Sciences
Classification: Benign. Review status: criteria provided, single submitter. Criteria: ACMG Guidelines, 2015. Collection method: clinical testing. Allele origin: germline.

Clinical Genetics DNA and cytogenetics Diagnostics Lab, Erasmus MC, Erasmus Medical Center
Classification: Benign. Review status: no assertion criteria provided. Collection method: clinical testing. Allele origin: germline. Affected: yes. Study: VKGL Data-share Consensus. Not counted in ClinVar's aggregate classification.

Clinical Genetics, Academic Medical Center
Classification: Benign. Review status: no assertion criteria provided. Collection method: clinical testing. Allele origin: germline. Affected: yes. Study: VKGL Data-share Consensus. Not counted in ClinVar's aggregate classification.

Joint Genome Diagnostic Labs from Nijmegen and Maastricht, Radboudumc and MUMC+
Classification: Likely benign. Review status: no assertion criteria provided. Collection method: clinical testing. Allele origin: germline. Affected: yes. Study: VKGL Data-share Consensus. Not counted in ClinVar's aggregate classification.

NM_000214.3(JAG1):c.267G>A (p.Gly89=)

Gene: JAG1 (jagged canonical Notch ligand 1; minus strand). Cytogenetic location: 20p12.2.
Variant type: single nucleotide variant.
Coding change: c.267G>A on transcript NM_000214.3 (MANE Select); coding-DNA position 267, G replaced by A.
Protein change: p.Gly89=; no amino-acid change (glycine 89 retained).
Molecular consequence: synonymous variant.
Genome position (GRCh38, 1-based): chr20:10,672,821, C>T on the plus strand (G>A on the coding strand, the complement: JAG1 is on the minus strand). VCF-style: chr20-10672821-C-T. GRCh37 (hg19) VCF-style: chr20-10653469-C-T.
Other names: p.Gly89=.
Identifiers: ClinVar variation 42476 (VCV000042476.31), dbSNP rs1051415, ClinGen allele CA282309.